The following is an entry in ClinVar:

NM_024652.6(LRRK1):c.2593G>A (p.Asp865Asn)

Genes: LRRK1 (leucine rich repeat kinase 1; plus strand), LOC126862255 (CDK7 strongly-dependent group 2 enhancer GRCh37_chr15:101567313-101568512; plus strand). Cytogenetic location: 15q26.3.
Variant type: single nucleotide variant.
Coding change: c.2593G>A on transcript NM_024652.6 (MANE Select); coding-DNA position 2593, G replaced by A.
Protein change: p.Asp865Asn; replaces aspartic acid 865 with asparagine.
Molecular consequence: missense variant.
Genome position (GRCh38, 1-based): chr15:101,027,704, G>A. VCF-style: chr15-101027704-G-A. GRCh37 (hg19) VCF-style: chr15-101567909-G-A.
Other names: c.2593G>A (NM_024652.5); short protein forms D865N.
Identifiers: ClinVar variation 1635857 (VCV001635857.10), dbSNP rs202089769, ClinGen allele CA7761297.

ClinVar aggregate classification (germline): Likely benign. Review status: criteria provided, single submitter (1 of 4 stars). 2 submissions from 2 submitters: Likely benign (1). 1 of the submissions does not count toward it. Last evaluated 2026-02-01.

Conditions:
LRRK1-related disorder. Also called: LRRK1-related condition.

Allele frequency attached by ClinVar (database versions not stated): gnomAD exomes 0.00020 and 0.00041; ExAC 0.00031; gnomAD 0.00034 and 0.00036.
gnomAD v4.1: 364 of 1,612,790 alleles (0.023%); highest among the groups gnomAD compares: Admixed American, 0.07%; 1 homozygote.

Submissions (2):

Labcorp Genetics (formerly Invitae), Labcorp
Classification: Likely benign. Last evaluated: 2026-02-01. Review status: criteria provided, single submitter. Criteria: Invitae Variant Classification Sherloc (09022015). Collection method: clinical testing. Allele origin: germline.

PreventionGenetics, part of Exact Sciences
Classification: Likely benign for LRRK1-related condition. Last evaluated: 2019-09-13. Review status: no assertion criteria provided. Collection method: clinical testing. Allele origin: germline. Not counted in ClinVar's aggregate classification.
Comment: This variant is classified as likely benign based on ACMG/AMP sequence variant interpretation guidelines (Richards et al. 2015 PMID: 25741868, with internal and published modifications).